The following is an entry in ClinVar:

ClinVar aggregate classification (germline): Conflicting classifications of pathogenicity. Review status: criteria provided, conflicting classifications (1 of 4 stars). 4 submissions from 4 submitters: Uncertain significance (1); Benign (1); Likely benign (2). Last evaluated 2026-09-05.

Conditions:
OFD1-related disorder. Also called: OFD1-related condition.
Joubert syndrome. Also called: Familial aplasia of the vermis; JOUBERT-BOLTSHAUSER SYNDROME. Identifiers: Orphanet 475, MedGen C5979921, MONDO:0018772.
Orofaciodigital syndrome I (OFD1). Also called: Oral-Facial-Digital Syndrome Type I; Papillon-Leage and Psaume Syndrome; OFDS I. Identifiers: Orphanet 2750, MedGen C1510460, MONDO:0010702, OMIM 311200.

Allele frequency attached by ClinVar (database versions not stated): gnomAD 0.00001; TOPMed 0.00001; ExAC 0.00002; gnomAD exomes 0.00003 and 0.00004; 1000 Genomes Project 0.00026; 1000 Genomes Project 30x 0.00042.

Submissions (4):

PreventionGenetics, part of Exact Sciences
Classification: Likely benign for OFD1-related condition. Last evaluated: 2026-09-05. Review status: criteria provided, single submitter. Criteria: ACMG Guidelines, 2015. Collection method: clinical testing. Allele origin: germline.
Comment: This variant is classified as likely benign based on ACMG/AMP sequence variant interpretation guidelines (Richards et al. 2015 PMID: 25741868, with internal and published modifications).

Labcorp Genetics (formerly Invitae), Labcorp
Classification: Benign for Orofaciodigital syndrome I; Joubert syndrome. Last evaluated: 2025-05-01. Review status: criteria provided, single submitter. Criteria: Invitae Variant Classification Sherloc (09022015). Collection method: clinical testing. Allele origin: germline.

Blueprint Genetics
Classification: Likely benign. Last evaluated: 2022-10-11. Review status: criteria provided, single submitter. Criteria: ACMG Guidelines, 2015. Collection method: clinical testing. Allele origin: germline.

Genetic Services Laboratory, University of Chicago
Classification: Uncertain significance. Last evaluated: 2015-04-14. Review status: criteria provided, single submitter. Criteria: ACMG Guidelines, 2015. Collection method: clinical testing. Allele origin: germline.

NM_003611.3(OFD1):c.1469A>G (p.Glu490Gly)

Gene: OFD1 (OFD1 centriole and centriolar satellite protein; plus strand). Cytogenetic location: Xp22.2.
Variant type: single nucleotide variant.
Coding change: c.1469A>G on transcript NM_003611.3 (MANE Select); coding-DNA position 1469, A replaced by G.
Protein change: p.Glu490Gly; replaces glutamic acid 490 with glycine.
Molecular consequence: missense variant.
Genome position (GRCh38, 1-based): chrX:13,757,717, A>G. VCF-style: chrX-13757717-A-G. GRCh37 (hg19) VCF-style: chrX-13775836-A-G.
Other names: c.1349A>G, p.Glu450Gly (NM_001330209.2); c.1049A>G, p.Glu350Gly (NM_001330210.2); short protein forms E490G, E450G, E350G.
Identifiers: ClinVar variation 211785 (VCV000211785.19), dbSNP rs754484224, ClinGen allele CA205291.
Genomic context (GRCh38, chrX:13,757,717, plus strand): 5'-TAGGCCTAGCTCAGCCGGCTCCTGAACTTGCAGTCTTTCAGAAAGAACTACGGAAAGCCG[A>G]AAAGGCTATAGTGGTTGAGCATGAGGAGTTCGAAAGCTGCAGGCAAGCTCTGCACAAACA-3'
Protein context (NP_003602.1, residues 480-500): AVFQKELRKA[Glu490Gly]KAIVVEHEEF